The following is an entry in ClinVar:

NM_198506.5(LRIT3):c.1789C>G (p.Pro597Ala)

Gene: LRIT3 (leucine rich repeat, Ig-like and transmembrane domains 3; plus strand). Cytogenetic location: 4q25.
Variant type: single nucleotide variant.
Coding change: c.1789C>G on transcript NM_198506.5 (MANE Select); coding-DNA position 1789, C replaced by G.
Protein change: p.Pro597Ala; replaces proline 597 with alanine.
Molecular consequence: missense variant.
Genome position (GRCh38, 1-based): chr4:109,870,538, C>G. VCF-style: chr4-109870538-C-G. GRCh37 (hg19) VCF-style: chr4-110791694-C-G.
Other names: short protein forms P597A.
Identifiers: ClinVar variation 1934581 (VCV001934581.5), dbSNP rs375638531, ClinGen allele CA3043263.

ClinVar aggregate classification (germline): Uncertain significance (1 of 4 stars; one submission).

Allele frequency attached by ClinVar (database versions not stated): ESP Exome Variant Server 0.00008.

Submission:

Labcorp Genetics (formerly Invitae), Labcorp
Classification: Uncertain significance. Last evaluated: 2022-10-17. Review status: criteria provided, single submitter. Criteria: Invitae Variant Classification Sherloc (09022015). Collection method: clinical testing. Allele origin: germline.
Comment: This sequence change replaces proline, which is neutral and non-polar, with alanine, which is neutral and non-polar, at codon 597 of the LRIT3 protein (p.Pro597Ala). In summary, the available evidence is currently insufficient to determine the role of this variant in disease. Therefore, it has been classified as a Variant of Uncertain Significance. Algorithms developed to predict the effect of missense changes on protein structure and function are either unavailable or do not agree on the potential impact of this missense change (SIFT: "Tolerated"; PolyPhen-2: "Probably Damaging"; Align-GVGD: "Class C0"). This variant has not been reported in the literature in individuals affected with LRIT3-related conditions. This variant is present in population databases (rs375638531, gnomAD 0.0009%).